The following is an entry in ClinVar:

NM_144687.4(NLRP12):c.850C>G (p.Arg284Gly)

Gene: NLRP12 (NLR family pyrin domain containing 12; minus strand). Cytogenetic location: 19q13.42.
Variant type: single nucleotide variant.
Coding change: c.850C>G on transcript NM_144687.4 (MANE Select); coding-DNA position 850, C replaced by G.
Protein change: p.Arg284Gly; replaces arginine 284 with glycine.
Molecular consequence: missense variant.
Genome position (GRCh38, 1-based): chr19:53,810,809, G>C on the plus strand (C>G on the coding strand, the complement: NLRP12 is on the minus strand). VCF-style: chr19-53810809-G-C. GRCh37 (hg19) VCF-style: chr19-54314063-G-C.
Other names: c.850C>G, p.Arg284Gly (NM_001277126.2, NM_001277129.1); short protein forms R284G.
Identifiers: ClinVar variation 3672691 (VCV003672691.2).

ClinVar aggregate classification (germline): Uncertain significance (1 of 4 stars; one submission).

Conditions:
Familial cold autoinflammatory syndrome 2 (FCAS2). Identifiers: Orphanet 247868, MedGen C2673198, MONDO:0012724, OMIM 611762.

gnomAD v4.1: 1 of 1,614,074 alleles (0.000062%); highest among the groups gnomAD compares: Non-Finnish European, 0.000085%; no homozygotes.

Submission:

Labcorp Genetics (formerly Invitae), Labcorp
Classification: Uncertain significance for Familial cold autoinflammatory syndrome 2. Last evaluated: 2024-12-04. Review status: criteria provided, single submitter. Criteria: Invitae Variant Classification Sherloc (09022015). Collection method: clinical testing. Allele origin: germline.
Comment: This sequence change replaces arginine, which is basic and polar, with glycine, which is neutral and non-polar, at codon 284 of the NLRP12 protein (p.Arg284Gly). This variant is not present in population databases (gnomAD no frequency). This variant has not been reported in the literature in individuals affected with NLRP12-related conditions. Invitae Evidence Modeling of protein sequence and biophysical properties (such as structural, functional, and spatial information, amino acid conservation, physicochemical variation, residue mobility, and thermodynamic stability) indicates that this missense variant is not expected to disrupt NLRP12 protein function with a negative predictive value of 80%. In summary, the available evidence is currently insufficient to determine the role of this variant in disease. Therefore, it has been classified as a Variant of Uncertain Significance.